The following is an entry in ClinVar:

NM_001130144.3(LTBP3):c.3887C>T (p.Ala1296Val)

Gene: LTBP3 (latent transforming growth factor beta binding protein 3; minus strand). Cytogenetic location: 11q13.1.
Variant type: single nucleotide variant.
Coding change: c.3887C>T on transcript NM_001130144.3 (MANE Select); coding-DNA position 3887, C replaced by T.
Protein change: p.Ala1296Val; replaces alanine 1296 with valine.
Molecular consequence: missense variant.
Genome position (GRCh38, 1-based): chr11:65,539,105, G>A on the plus strand (C>T on the coding strand, the complement: LTBP3 is on the minus strand). VCF-style: chr11-65539105-G-A. GRCh37 (hg19) VCF-style: chr11-65306576-G-A.
Other names: c.3746C>T, p.Ala1249Val (NM_021070.4); c.3395C>T, p.Ala1132Val (NM_001164266.1); short protein forms A1249V, A1132V, A1296V.
Identifiers: ClinVar variation 2447597 (VCV002447597.4), dbSNP rs1395508528, ClinGen allele CA381265794.

ClinVar aggregate classification (germline): Uncertain significance. Review status: criteria provided, multiple submitters, no conflicts (2 of 4 stars). 2 submissions from 2 submitters: Uncertain significance (2). Last evaluated 2024-11-06.

Conditions:
Brachyolmia-amelogenesis imperfecta syndrome. Also called: PLATYSPONDYLY WITH AMELOGENESIS IMPERFECTA; Tooth agenesis, selective, 6; Dental anomalies and short stature. Identifiers: Orphanet 2899, MedGen C1832594, MONDO:0011018, OMIM 601216. Disease mechanism: loss of function.
Inborn genetic diseases. Identifiers: MedGen C0950123, MeSH D030342.

Allele frequency attached by ClinVar (database versions not stated): gnomAD exomes below 0.00001.
gnomAD v4.1: 2 of 1,461,624 alleles (0.00014%); highest among the groups gnomAD compares: East Asian, 0.0029%; no homozygotes.

Submissions (2):

Labcorp Genetics (formerly Invitae), Labcorp
Classification: Uncertain significance for Brachyolmia-amelogenesis imperfecta syndrome. Last evaluated: 2024-11-06. Review status: criteria provided, single submitter. Criteria: Invitae Variant Classification Sherloc (09022015). Collection method: clinical testing. Allele origin: germline.
Comment: This sequence change replaces alanine, which is neutral and non-polar, with valine, which is neutral and non-polar, at codon 1296 of the LTBP3 protein (p.Ala1296Val). The frequency data for this variant in the population databases is considered unreliable, as metrics indicate poor data quality at this position in the gnomAD database. This variant has not been reported in the literature in individuals affected with LTBP3-related conditions. ClinVar contains an entry for this variant (Variation ID: 2447597). An algorithm developed to predict the effect of missense changes on protein structure and function (PolyPhen-2) suggests that this variant is likely to be tolerated. In summary, the available evidence is currently insufficient to determine the role of this variant in disease. Therefore, it has been classified as a Variant of Uncertain Significance.

Ambry Genetics
Classification: Uncertain significance for Inborn genetic diseases. Last evaluated: 2023-02-16. Review status: criteria provided, single submitter. Criteria: Ambry Variant Classification Scheme 2023. Collection method: clinical testing. Allele origin: germline.
Comment: The p.A1296V variant (also known as c.3887C>T), located in coding exon 28 of the LTBP3 gene, results from a C to T substitution at nucleotide position 3887. The alanine at codon 1296 is replaced by valine, an amino acid with similar properties. This amino acid position is conserved. In addition, the in silico prediction for this alteration is inconclusive. Since supporting evidence is limited at this time, the clinical significance of this alteration remains unclear.